The following is an entry in ClinVar:

ClinVar aggregate classification (germline): Uncertain significance (1 of 4 stars; one submission).

Conditions:
PPP1R12A-related disorder. Also called: PPP1R12A-related condition.

Submission:

PreventionGenetics, part of Exact Sciences
Classification: Uncertain significance for PPP1R12A-related condition. Last evaluated: 2023-06-04. Review status: criteria provided, single submitter. Criteria: ACMG Guidelines, 2015. Collection method: clinical testing. Allele origin: germline.
Comment: The PPP1R12A c.220C>G variant is predicted to result in the amino acid substitution p.Leu74Val. To our knowledge, this variant has not been reported in the literature or in a large population database, indicating this variant is rare. However, missense variants in PPP1R12A are not an established mechanism of disease. Therefore, although we suspect that this variant may be pathogenic, at this time, the clinical significance of this variant is uncertain due to the absence of conclusive functional and genetic evidence.

NM_002480.3(PPP1R12A):c.220C>G (p.Leu74Val)

Genes: PPP1R12A (protein phosphatase 1 regulatory subunit 12A; minus strand), LOC112163633 (Sharpr-MPRA regulatory region 5962; plus strand). Cytogenetic location: 12q21.31.
Variant type: single nucleotide variant.
Coding change: c.220C>G on transcript NM_002480.3 (MANE Select); coding-DNA position 220, C replaced by G.
Protein change: p.Leu74Val; replaces leucine 74 with valine.
Molecular consequence: missense variant.
Genome position (GRCh38, 1-based): chr12:79,934,712, G>C on the plus strand (C>G on the coding strand, the complement: PPP1R12A is on the minus strand). VCF-style: chr12-79934712-G-C. GRCh37 (hg19) VCF-style: chr12-80328492-G-C.
Other names: c.220C>G, p.Leu74Val (NM_001143885.2, NM_001244990.2, NM_001244992.1); short protein forms L74V.
Identifiers: ClinVar variation 2633322 (VCV002633322.1), dbSNP rs2548108893, ClinGen allele CA385933758.